The following is an entry in ClinVar:

NM_001003699.4(RREB1):c.11G>A (p.Ser4Asn)

Gene: RREB1 (ras responsive element binding protein 1; plus strand). Cytogenetic location: 6p24.3.
Variant type: single nucleotide variant.
Coding change: c.11G>A on transcript NM_001003699.4 (MANE Select); coding-DNA position 11, G replaced by A.
Protein change: p.Ser4Asn; replaces serine 4 with asparagine.
Molecular consequence: missense variant.
Genome position (GRCh38, 1-based): chr6:7,181,922, G>A. VCF-style: chr6-7181922-G-A. GRCh37 (hg19) VCF-style: chr6-7182155-G-A.
Other names: c.11G>A, p.Ser4Asn (NM_001003698.4, NM_001003700.2, NM_001168344.2); short protein forms S4N.
Identifiers: ClinVar variation 791534 (VCV000791534.14), dbSNP rs116821447, ClinGen allele CA3625119.
Genomic context (GRCh38, chr6:7,181,922, plus strand): 5'-ATTTTCAGTTTTATAGCAGAGGCTTCTTAGAAGCTTAAACCCCTGTCCCAATGACGTCAA[G>A]TTCGCCCGCTGGCTTGGAAGGTTCAGACCTATCTTCCATCAACACCATGATGTCGGCGGT-3'
Protein context (NP_001003699.1, residues 1-14): MTS[Ser4Asn]SPAGLEGSDL

ClinVar aggregate classification (germline): Benign/Likely benign. Review status: criteria provided, multiple submitters, no conflicts (2 of 4 stars). 4 submissions from 4 submitters: Benign (1); Likely benign (2). 1 of the submissions does not count toward it. Last evaluated 2026-05-11.

Conditions:
RREB1-related disorder. Also called: RREB1-related condition.

Allele frequency attached by ClinVar (database versions not stated): gnomAD 0.00301; TOPMed 0.00307; 1000 Genomes Project 30x 0.00359; ESP Exome Variant Server 0.00369; 1000 Genomes Project 0.00379.
gnomAD v4.1: 1,095 of 1,614,252 alleles (0.068%); highest among the groups gnomAD compares: African/African-American, 1%; 7 homozygotes.

Submissions (4):

Women's Health and Genetics/Laboratory Corporation of America, LabCorp
Classification: Likely benign. Last evaluated: 2026-05-11. Review status: criteria provided, single submitter. Criteria: LabCorp Variant Classification Summary - May 2015. Collection method: clinical testing. Allele origin: germline.

CeGaT Center for Human Genetics Tuebingen
Classification: Likely benign. Last evaluated: 2025-03-01. Review status: criteria provided, single submitter. Criteria: CeGaT Center For Human Genetics Tuebingen Variant Classification Criteria Version 2. Collection method: clinical testing. Allele origin: germline. Affected: yes. Observed: 1 variant allele.
Comment: RREB1: BP4, BS1

Labcorp Genetics (formerly Invitae), Labcorp
Classification: Benign. Last evaluated: 2019-12-31. Review status: criteria provided, single submitter. Criteria: Invitae Variant Classification Sherloc (09022015). Collection method: clinical testing. Allele origin: germline.

PreventionGenetics, part of Exact Sciences
Classification: Benign for RREB1-related condition. Last evaluated: 2019-03-25. Review status: no assertion criteria provided. Collection method: clinical testing. Allele origin: germline. Not counted in ClinVar's aggregate classification.
Comment: This variant is classified as benign based on ACMG/AMP sequence variant interpretation guidelines (Richards et al. 2015 PMID: 25741868, with internal and published modifications).